The following is an entry in ClinVar:

ClinVar aggregate classification (germline): Uncertain significance (1 of 4 stars; one submission).

Conditions:
Autosomal recessive limb-girdle muscular dystrophy type 2A (LGMDR1). Also called: LEYDEN-MOEBIUS MUSCULAR DYSTROPHY; MUSCULAR DYSTROPHY, PELVOFEMORAL; Muscular dystrophy, limb-girdle, type 2A, Amish; Limb-girdle muscular dystrophy, type 2A; Calpainopathy. Identifiers: Orphanet 267, MedGen C1869123, MONDO:0009675, OMIM 253600. Disease mechanism: loss of function.

Submission:

Labcorp Genetics (formerly Invitae), Labcorp
Classification: Uncertain significance for Autosomal recessive limb-girdle muscular dystrophy type 2A. Last evaluated: 2023-08-29. Review status: criteria provided, single submitter. Criteria: Invitae Variant Classification Sherloc (09022015). Collection method: clinical testing. Allele origin: germline.
Comment: Advanced modeling of protein sequence and biophysical properties (such as structural, functional, and spatial information, amino acid conservation, physicochemical variation, residue mobility, and thermodynamic stability) has been performed at Invitae for this missense variant, however the output from this modeling did not meet the statistical confidence thresholds required to predict the impact of this variant on CAPN3 protein function. In summary, the available evidence is currently insufficient to determine the role of this variant in disease. Therefore, it has been classified as a Variant of Uncertain Significance. This variant has not been reported in the literature in individuals affected with CAPN3-related conditions. This variant is not present in population databases (gnomAD no frequency). This sequence change replaces leucine, which is neutral and non-polar, with phenylalanine, which is neutral and non-polar, at codon 758 of the CAPN3 protein (p.Leu758Phe).

NM_000070.3(CAPN3):c.2272C>T (p.Leu758Phe)

Gene: CAPN3 (calpain 3; plus strand). Cytogenetic location: 15q15.1.
Variant type: single nucleotide variant.
Coding change: c.2272C>T on transcript NM_000070.3 (MANE Select); coding-DNA position 2272, C replaced by T.
Protein change: p.Leu758Phe; replaces leucine 758 with phenylalanine.
Molecular consequence: missense variant.
Genome position (GRCh38, 1-based): chr15:42,410,892, C>T. VCF-style: chr15-42410892-C-T. GRCh37 (hg19) VCF-style: chr15-42703090-C-T.
Other names: c.2254C>T, p.Leu752Phe (NM_024344.2); c.1996C>T, p.Leu666Phe (NM_173087.2); c.736C>T, p.Leu246Phe (NM_173088.2); c.277C>T, p.Leu93Phe (NM_173089.2, NM_173090.2); c.*1370C>T (NM_212464.2); c.*1947C>T (NM_212467.2); short protein forms L666F, L752F, L758F, L93F, L246F.
Identifiers: ClinVar variation 2756281 (VCV002756281.3), dbSNP rs2548294283, ClinGen allele CA392001966.